The following is an entry in ClinVar:

NM_016525.5(UBAP1):c.429dup (p.Val144fs)

Gene: UBAP1 (ubiquitin associated protein 1; plus strand). Cytogenetic location: 9p13.3.
Variant type: Duplication.
Coding change: c.429dup on transcript NM_016525.5 (MANE Select); coding-DNA position 429, one base duplicated (A; older notation c.429dupA).
Protein change: p.Val144fs; shifts the reading frame from valine 144.
Molecular consequence: frameshift variant. On other transcripts: non-coding transcript variant (1).
Genome position (GRCh38, 1-based): chr9:34,241,454, A duplicated; the last of 3 consecutive A bases (chr9:34,241,452-34,241,454); duplicating any one gives the same sequence. VCF-style (leftmost placement, unchanged base first): chr9-34241451-G-GA. GRCh37 (hg19) VCF-style: chr9-34241449-G-GA.
Other names: c.621dup, p.Val208fs (NM_001171201.1); c.537dup, p.Val180fs (NM_001171202.1); c.429dup, p.Val144fs (NM_001171203.3, NM_001171204.3); short protein forms V144fs, V180fs, V208fs.
Identifiers: ClinVar variation 3900660 (VCV003900660.2).
Genomic context (GRCh38, chr9:34,241,451, plus strand): 5'-CAGCTTGCAGCACAACAGCATCCTCACACCAACTCGGGTCAGCAGTAGTGCCACGAAACA[G>GA]AAAGTTCTCAGCCCACCTCACATAAAGGCGGATTTCAATCTTGCTGACTTTGAGTGTGAA-3'

ClinVar aggregate classification (germline): Likely pathogenic (1 of 4 stars; one submission).

Conditions:
Spastic paraplegia 80, autosomal dominant. Identifiers: Orphanet 631068, MedGen C5193084, MONDO:0032737, OMIM 618418.

Submission:

Clinical Genetics Laboratory, Region Ostergotland
Classification: Likely pathogenic for Spastic paraplegia 80, autosomal dominant. Last evaluated: 2024-11-21. Review status: criteria provided, single submitter. Criteria: ACMG Guidelines, 2015. Collection method: clinical testing. Allele origin: germline. Affected: yes.
Comment: The following ACMG/AMP criteria were applied in classifying this variant: PM2, PVS1